The following is an entry in ClinVar:

NM_080424.4(SP110):c.877A>G (p.Lys293Glu)

Genes: SP110 (SP110 nuclear body protein; minus strand), SP140 (SP140 nuclear body protein; plus strand). Cytogenetic location: 2q37.1.
Variant type: single nucleotide variant.
Coding change: c.877A>G on transcript NM_080424.4 (MANE Select); coding-DNA position 877, A replaced by G.
Protein change: p.Lys293Glu; replaces lysine 293 with glutamic acid.
Molecular consequence: missense variant.
Genome position (GRCh38, 1-based): chr2:230,208,012, T>C on the plus strand (A>G on the coding strand, the complement: SP110 is on the minus strand). VCF-style: chr2-230208012-T-C. GRCh37 (hg19) VCF-style: chr2-231072727-T-C.
Other names: c.895A>G, p.Lys299Glu (NM_001185015.2, NM_001378442.1, NM_001378444.1 and 2 more transcripts); c.877A>G, p.Lys293Glu (NM_001378443.1, NM_001378447.1, NM_004509.5 and 1 more transcripts); short protein forms K299E, K293E.
Identifiers: ClinVar variation 859775 (VCV000859775.6), dbSNP rs199845488, ClinGen allele CA66759028.
Genomic context (GRCh38, chr2:230,208,012, plus strand): 5'-GTTTCCAGCCTCCAGCTTCCTCTTGTACTCTCATCTTACCTCCTGGGAGGCTTTTTTTCT[T>C]ATGTCTCCTTTTTGGAGTTGACCAGATACATCTTTTTCTTTTCTTTCCTAAAAAGAAAGG-3'
Protein context (NP_536349.3, residues 283-303): CIWSTPKRRH[Lys293Glu]KKSLPGGTAS

ClinVar aggregate classification (germline): Uncertain significance (1 of 4 stars; one submission).

Conditions:
Hepatic veno-occlusive disease-immunodeficiency syndrome. Also called: Hepatic Veno-Occlusive Disease with Immunodeficiency. Identifiers: Orphanet 79124, MedGen C1856128, MONDO:0009338, OMIM 235550. Disease mechanism: loss of function.

Allele frequency attached by ClinVar (database versions not stated): gnomAD 0.00001 and 0.00003; gnomAD exomes 0.00001; TOPMed 0.00002; 1000 Genomes Project 30x 0.00016; 1000 Genomes Project 0.00020.
gnomAD v4.1: 17 of 1,565,992 alleles (0.0011%); highest among the groups gnomAD compares: Admixed American, 0.029%; no homozygotes.

Submission:

Labcorp Genetics (formerly Invitae), Labcorp
Classification: Uncertain significance for Hepatic veno-occlusive disease-immunodeficiency syndrome. Last evaluated: 2024-09-06. Review status: criteria provided, single submitter. Criteria: Invitae Variant Classification Sherloc (09022015). Collection method: clinical testing. Allele origin: germline.
Comment: This sequence change replaces lysine, which is basic and polar, with glutamic acid, which is acidic and polar, at codon 293 of the SP110 protein (p.Lys293Glu). The frequency data for this variant in the population databases is considered unreliable, as metrics indicate poor data quality at this position in the gnomAD database. This variant has not been reported in the literature in individuals affected with SP110-related conditions. ClinVar contains an entry for this variant (Variation ID: 859775). An algorithm developed to predict the effect of missense changes on protein structure and function (PolyPhen-2) suggests that this variant¬†is likely to be tolerated. In summary, the available evidence is currently insufficient to determine the role of this variant in disease. Therefore, it has been classified as a Variant of Uncertain Significance.